The following is an entry in ClinVar:

NM_000071.3(CBS):c.1145+1G>C

Gene: CBS (cystathionine beta-synthase; minus strand). Cytogenetic location: 21q22.3.
Variant type: single nucleotide variant.
Coding change: c.1145+1G>C on transcript NM_000071.3 (MANE Select); the canonical splice donor site of the intron after coding-DNA position 1145, G replaced by C.
Molecular consequence: splice donor variant.
Genome position (GRCh38, 1-based): chr21:43,060,440, C>G on the plus strand (G>C on the coding strand, the complement: CBS is on the minus strand). VCF-style: chr21-43060440-C-G. GRCh37 (hg19) VCF-style: chr21-44480550-C-G.
Other names: c.1145+1G>C (NM_001320298.2, NM_001178009.3, NM_001178008.3); c.830+1G>C (NM_001321072.1).
Identifiers: ClinVar variation 2008921 (VCV002008921.4), dbSNP rs2517411603, ClinGen allele CA410397927.

ClinVar aggregate classification (germline): Likely pathogenic (1 of 4 stars; one submission).

Conditions:
HYPERHOMOCYSTEINEMIA, THROMBOTIC, CBS-RELATED. Identifiers: MedGen C3150344, OMIM 236200.

Submission:

Labcorp Genetics (formerly Invitae), Labcorp
Classification: Likely pathogenic for HYPERHOMOCYSTEINEMIA, THROMBOTIC, CBS-RELATED. Last evaluated: 2022-11-29. Review status: criteria provided, single submitter. Criteria: Invitae Variant Classification Sherloc (09022015). Collection method: clinical testing. Allele origin: germline.
Comment: In summary, the currently available evidence indicates that the variant is pathogenic, but additional data are needed to prove that conclusively. Therefore, this variant has been classified as Likely Pathogenic. Algorithms developed to predict the effect of sequence changes on RNA splicing suggest that this variant may disrupt the consensus splice site. Disruption of this splice site has been observed in individual(s) with homocystinuria (Invitae). This variant is not present in population databases (gnomAD no frequency). This sequence change affects a donor splice site in intron 12 of the CBS gene. It is expected to disrupt RNA splicing. Variants that disrupt the donor or acceptor splice site typically lead to a loss of protein function (PMID: 16199547), and loss-of-function variants in CBS are known to be pathogenic (PMID: 10338090, 12124992).

Literature cited by the submitters: PubMed 16199547; PubMed 10338090; PubMed 12124992.